The following is an entry in ClinVar:

NM_024422.6(DSC2):c.115G>A (p.Val39Ile)

Gene: DSC2 (desmocollin 2; minus strand). Cytogenetic location: 18q12.1.
Variant type: single nucleotide variant.
Coding change: c.115G>A on transcript NM_024422.6 (MANE Select); coding-DNA position 115, G replaced by A.
Protein change: p.Val39Ile; replaces valine 39 with isoleucine.
Molecular consequence: missense variant.
Genome position (GRCh38, 1-based): chr18:31,093,598, C>T on the plus strand (G>A on the coding strand, the complement: DSC2 is on the minus strand). VCF-style: chr18-31093598-C-T. GRCh37 (hg19) VCF-style: chr18-28673561-C-T.
Other names: c.115G>A, p.Val39Ile (NM_004949.5); short protein forms V39I.
Identifiers: ClinVar variation 536269 (VCV000536269.15), dbSNP rs1447651355, ClinGen allele CA402115089.
Genomic context (GRCh38, chr18:31,093,598, plus strand): 5'-CAAATTTTAGGGCTTCCTTACCTCTACCAACAAGTTTCTCGGCATCTAGTTTGGAGGGAA[C>T]ATGTAATGTCACATTTTTGCAGGCATCACTGGCAAATATTAAGATCTAAAAAATGAAAAA-3'
Protein context (NP_077740.1, residues 29-49): SDACKNVTLH[Val39Ile]PSKLDAEKLV

ClinVar aggregate classification (germline): Uncertain significance. Review status: criteria provided, multiple submitters, no conflicts (2 of 4 stars). 5 submissions from 5 submitters: Uncertain significance (5). Last evaluated 2024-09-17.

Conditions:
Familial isolated arrhythmogenic right ventricular dysplasia. Identifiers: Orphanet 217656, MedGen C4274968, MONDO:0016342.
Cardiovascular phenotype. Identifiers: MedGen CN230736.
Cardiomyopathy (CMYO). Also called: Cardiomyopathies. Identifiers: Orphanet 167848, MedGen C0878544, MONDO:0004994, HP:0001638. Inheritance: Various modes of inheritance.
Arrhythmogenic right ventricular dysplasia 11. Also called: Arrhythmogenic right ventricular dysplasia 11 with mild palmoplantar keratoderma and woolly hair; Arrhythmogenic Right Ventricular Dysplasia/Cardiomyopathy11; ARRHYTHMOGENIC RIGHT VENTRICULAR DYSPLASIA, FAMILIAL, 11. Identifiers: MedGen C1864850, MONDO:0012506, OMIM 610476.

Allele frequency attached by ClinVar (database versions not stated): TOPMed 0.00001; gnomAD 0.00003; gnomAD exomes below 0.00001.
gnomAD v4.1: 5 of 1,602,886 alleles (0.00031%); highest among the groups gnomAD compares: Non-Finnish European, 0.00026%; no homozygotes.

Submissions (5):

Labcorp Genetics (formerly Invitae), Labcorp
Classification: Uncertain significance for Arrhythmogenic right ventricular dysplasia 11. Last evaluated: 2024-09-17. Review status: criteria provided, single submitter. Criteria: Invitae Variant Classification Sherloc (09022015). Collection method: clinical testing. Allele origin: germline.
Comment: This sequence change replaces valine, which is neutral and non-polar, with isoleucine, which is neutral and non-polar, at codon 39 of the DSC2 protein (p.Val39Ile). This variant is present in population databases (no rsID available, gnomAD 0.008%). This variant has not been reported in the literature in individuals affected with DSC2-related conditions. ClinVar contains an entry for this variant (Variation ID: 536269). Invitae Evidence Modeling of protein sequence and biophysical properties (such as structural, functional, and spatial information, amino acid conservation, physicochemical variation, residue mobility, and thermodynamic stability) indicates that this missense variant is not expected to disrupt DSC2 protein function with a negative predictive value of 80%. In summary, the available evidence is currently insufficient to determine the role of this variant in disease. Therefore, it has been classified as a Variant of Uncertain Significance.

All of Us Research Program, National Institutes of Health
Classification: Uncertain significance for Familial isolated arrhythmogenic right ventricular dysplasia. Last evaluated: 2024-03-24. Review status: criteria provided, single submitter. Criteria: ACMG Guidelines, 2015. Collection method: clinical testing. Allele origin: germline. Inheritance: Autosomal dominant inheritance. Observed: 2 variant alleles, 2 heterozygotes.
Comment: This missense variant replaces valine with isoleucine at codon 39 of the DSC2 protein. Computational prediction suggests that this variant may not impact protein structure and function (internally defined REVEL score threshold <= 0.5, PMID: 27666373). To our knowledge, functional studies have not been reported for this variant. This variant has not been reported in individuals affected with cardiovascular disorders in the literature. This variant has been identified in 2/282446 chromosomes in the general population by the Genome Aggregation Database (gnomAD). The available evidence is insufficient to determine the role of this variant in disease conclusively. Therefore, this variant is classified as a Variant of Uncertain Significance.

This study involves interpretation of variants in research participants for the purpose of population health screening. Participant phenotype was not available at the time of variant classification. Additional details can be found in publication PMID: 35346344, PMCID: PMC8962531

Color Diagnostics, LLC DBA Color Health
Classification: Uncertain significance for Cardiomyopathy. Last evaluated: 2024-03-07. Review status: criteria provided, single submitter. Criteria: ACMG Guidelines, 2015. Collection method: clinical testing. Allele origin: germline.
Comment: This missense variant replaces valine with isoleucine at codon 39 of the DSC2 protein. Computational prediction suggests that this variant may not impact protein structure and function (internally defined REVEL score threshold <= 0.5, PMID: 27666373). To our knowledge, functional studies have not been reported for this variant. This variant has not been reported in individuals affected with cardiovascular disorders in the literature. This variant has been identified in 2/282446 chromosomes in the general population by the Genome Aggregation Database (gnomAD). The available evidence is insufficient to determine the role of this variant in disease conclusively. Therefore, this variant is classified as a Variant of Uncertain Significance.

Ambry Genetics
Classification: Uncertain significance for Cardiovascular phenotype. Last evaluated: 2023-10-17. Review status: criteria provided, single submitter. Criteria: Ambry Variant Classification Scheme 2023. Collection method: clinical testing. Allele origin: germline.
Comment: The p.V39I variant (also known as c.115G>A), located in coding exon 2 of the DSC2 gene, results from a G to A substitution at nucleotide position 115. The valine at codon 39 is replaced by isoleucine, an amino acid with highly similar properties. This amino acid position is well conserved in available vertebrate species. In addition, this alteration is predicted to be tolerated by in silico analysis. Since supporting evidence is limited at this time, the clinical significance of this alteration remains unclear.

GeneDx
Classification: Uncertain significance. Last evaluated: 2019-07-11. Review status: criteria provided, single submitter. Criteria: GeneDx Variant Classification Process June 2021. Collection method: clinical testing. Allele origin: germline. Affected: yes.
Comment: Has not been previously published as pathogenic or benign to our knowledge; Reported in ClinVar as a variant of uncertain significance (ClinVar Variant ID# 536269; Landrum et al., 2016); Not observed at a significant frequency in large population cohorts (Lek et al., 2016); In silico analysis, which includes protein predictors and evolutionary conservation, supports that this variant does not alter protein structure/function